The following is an entry in ClinVar:

NM_000059.4(BRCA2):c.6711TGA[1] (p.Asp2238del)

Gene: BRCA2 (BRCA2 DNA repair associated; plus strand). Cytogenetic location: 13q13.1.
Variant type: Microsatellite.
Coding change: c.6711TGA[1] on transcript NM_000059.4 (MANE Select); one copy of the 3-base unit TGA starting at c.6711; the reference has two copies in a row; one copy, 3 bases deleted; also written c.6714_6716del.
Protein change: p.Asp2238del; deletes aspartic acid 2238.
Molecular consequence: inframe deletion.
Genome position (GRCh38, 1-based): chr13:32,341,069-32,341,071, TGA deleted; deleting any 3 consecutive bases within chr13:32,341,064-32,341,071 gives the same sequence; the position shown is the placement nearest the transcript's 3' end. VCF-style (leftmost placement, unchanged base first): chr13-32341063-AGAT-A. GRCh37 (hg19) VCF-style: chr13-32915200-AGAT-A.
Other names: 6942del3; c.6714_6716delTGA (NM_000059.3, NM_000059.4); c.6714_6716del (NM_000059.4); short protein forms D2238del.
Identifiers: ClinVar variation 186159 (VCV000186159.30), dbSNP rs786202738, ClinGen allele CA024317.

ClinVar aggregate classification (germline): Conflicting classifications of pathogenicity. Review status: criteria provided, conflicting classifications (1 of 4 stars). 10 submissions from 10 submitters: Uncertain significance (8); Likely benign (1). 1 of the submissions does not count toward it. Last evaluated 2025-07-31.

Conditions:
Familial cancer of breast. Also called: BREAST CANCER, FAMILIAL; Hereditary breast cancer; hereditary breast carcinoma. Identifiers: Orphanet 227535, MedGen C0346153, MONDO:0016419, OMIM 114480. Disease mechanism: loss of function.
Hereditary cancer-predisposing syndrome. Also called: Hereditary Cancer Syndrome; Neoplastic Syndromes, Hereditary; Tumor predisposition; Hereditary neoplastic syndrome. Identifiers: Orphanet 140162, MedGen C0027672, MeSH D009386, MONDO:0015356.
Hereditary breast ovarian cancer syndrome. Also called: Hereditary breast and ovarian cancer; Hereditary breast and ovarian cancer syndrome; Breast and ovarian cancer; Hereditary breast and ovarian cancer syndrome (HBOC); Hereditary breast and/or ovarian cancer syndrome; BRCA1- and BRCA2-Associated Hereditary Breast and Ovarian Cancer. Identifiers: Orphanet 145, MedGen C0677776, MeSH D061325, MONDO:0003582. Disease mechanism: loss of function.
Breast-ovarian cancer, familial, susceptibility to, 2 (BROVCA2). Also called: BRCA2 Hereditary Breast and Ovarian Cancer. Identifiers: Orphanet 145, MedGen C2675520, MONDO:0012933, OMIM 612555. Disease mechanism: loss of function.

Submissions (10):

Labcorp Genetics (formerly Invitae), Labcorp
Classification: Uncertain significance for Hereditary breast ovarian cancer syndrome. Last evaluated: 2025-07-31. Review status: criteria provided, single submitter. Criteria: Invitae Variant Classification Sherloc (09022015). Collection method: clinical testing. Allele origin: germline.
Comment: This variant, c.6714_6716del, results in the deletion of 1 amino acid(s) of the BRCA2 protein (p.Asp2238del), but otherwise preserves the integrity of the reading frame. This variant is present in population databases (rs786202738, gnomAD 0.007%). This variant has not been reported in the literature in individuals affected with BRCA2-related conditions. ClinVar contains an entry for this variant (Variation ID: 186159). Experimental studies and prediction algorithms are not available or were not evaluated, and the functional significance of this variant is currently unknown. In summary, the available evidence is currently insufficient to determine the role of this variant in disease. Therefore, it has been classified as a Variant of Uncertain Significance.

GeneDx
Classification: Uncertain significance. Last evaluated: 2025-03-28. Review status: criteria provided, single submitter. Criteria: GeneDx Variant Classification Process June 2021. Collection method: clinical testing. Allele origin: germline. Affected: yes.
Comment: In-frame deletion of one amino acid in a non-repeat region; In silico analysis supports a deleterious effect on protein structure/function; Not observed at significant frequency in large population cohorts (gnomAD); Also known as 6942_6944del; This variant is associated with the following publications: (PMID: 24356096, 31853058)

Center for Genomic Medicine, Rigshospitalet, Copenhagen University Hospital
Classification: Likely benign. Last evaluated: 2025-03-04. Review status: criteria provided, single submitter. Criteria: ACMG Guidelines, 2015. Collection method: clinical testing. Allele origin: germline.

Ambry Genetics
Classification: Uncertain significance for Hereditary cancer-predisposing syndrome. Last evaluated: 2024-08-21. Review status: criteria provided, single submitter. Criteria: Ambry Variant Classification Scheme 2023. Collection method: clinical testing. Allele origin: germline.
Comment: The c.6714_6716delTGA variant (also known as p.D2238del) is located in coding exon 10 of the BRCA2 gene. This variant results from an in-frame TGA deletion at nucleotide positions 6714 to 6716. This results in the in-frame deletion of an aspartic acid at codon 2238. This amino acid position is not well conserved in available vertebrate species. In addition, the in silico prediction for this alteration is inconclusive (Choi Y et al. PLoS ONE. 2012; 7(10):e46688). Since supporting evidence is limited at this time, the clinical significance of this alteration remains unclear.

Baylor Genetics
Classification: Uncertain significance for Familial cancer of breast. Last evaluated: 2024-03-21. Review status: criteria provided, single submitter. Criteria: ACMG Guidelines, 2015. Collection method: clinical testing. Allele origin: unknown.

All of Us Research Program, National Institutes of Health
Classification: Uncertain significance for Breast-ovarian cancer, familial, susceptibility to, 2. Last evaluated: 2023-09-04. Review status: criteria provided, single submitter. Criteria: ACMG Guidelines, 2015. Collection method: clinical testing. Allele origin: germline. Inheritance: Autosomal dominant inheritance. Observed: 1 variant allele, 1 heterozygote.
Comment: This variant causes an in-frame deletion of 1 amino acid from the BRCA2 protein. To our knowledge, functional studies have not been reported for this variant. This variant has not been reported in individuals affected with hereditary cancer in the literature. This variant has been identified in 1/251318 chromosomes in the general population by the Genome Aggregation Database (gnomAD). The available evidence is insufficient to determine the role of this variant in disease conclusively. Therefore, this variant is classified as a Variant of Uncertain Significance.

This study involves interpretation of variants in research participants for the purpose of population health screening. Participant phenotype was not available at the time of variant classification. Additional details can be found in publication PMID: 35346344, PMCID: PMC8962531

Color Diagnostics, LLC DBA Color Health
Classification: Uncertain significance for Hereditary cancer-predisposing syndrome. Last evaluated: 2023-08-24. Review status: criteria provided, single submitter. Criteria: ACMG Guidelines, 2015. Collection method: clinical testing. Allele origin: germline.
Comment: This variant causes an in-frame deletion of 1 amino acid from the BRCA2 protein. To our knowledge, functional studies have not been reported for this variant. This variant has not been reported in individuals affected with hereditary cancer in the literature. This variant has been identified in 1/251318 chromosomes in the general population by the Genome Aggregation Database (gnomAD). The available evidence is insufficient to determine the role of this variant in disease conclusively. Therefore, this variant is classified as a Variant of Uncertain Significance.

Women's Health and Genetics/Laboratory Corporation of America, LabCorp
Classification: Uncertain significance. Last evaluated: 2021-03-22. Review status: criteria provided, single submitter. Criteria: LabCorp Variant Classification Summary - May 2015. Collection method: clinical testing. Allele origin: germline.
Comment: Variant summary: BRCA2 c.6714_6716delTGA (p.Asp2238del) results in an in-frame deletion that is predicted to remove one amino acid from the encoded protein. The variant allele was found at a frequency of 4e-06 in 251318 control chromosomes (gnomAD). The available data on variant occurrences in the general population are insufficient to allow any conclusion about variant significance. To our knowledge, no occurrence of c.6714_6716delTGA in individuals affected with Hereditary Breast and Ovarian Cancer Syndrome and no experimental evidence demonstrating its impact on protein function have been reported. Five clinical diagnostic laboratories have submitted clinical-significance assessments for this variant to ClinVar after 2014 without evidence for independent evaluation. All laboratories classified the variant as uncertain significance. Based on the evidence outlined above, the variant was classified as uncertain significance.

Quest Diagnostics Nichols Institute San Juan Capistrano
Classification: Uncertain significance. Last evaluated: 2018-11-28. Review status: criteria provided, single submitter. Criteria: Quest Diagnostics criteria. Collection method: clinical testing. Allele origin: germline.

Sharing Clinical Reports Project (SCRP)
Classification: Likely benign for Breast-ovarian cancer, familial 2. Last evaluated: 2010-09-28. Review status: no assertion criteria provided. Collection method: clinical testing. Allele origin: germline. Not counted in ClinVar's aggregate classification.

Literature cited by the submitters: PubMed 24356096 (cited by Women's Health and Genetics/Laboratory Corporation of America, LabCorp).